The following is an entry in ClinVar:

NM_144666.3(DNHD1):c.2301del (p.Gly768fs)

Gene: DNHD1 (dynein heavy chain domain 1; plus strand). Cytogenetic location: 11p15.4.
Variant type: Deletion.
Coding change: c.2301del on transcript NM_144666.3 (MANE Select); coding-DNA position 2301, one base deleted (A; older notation c.2301delA).
Protein change: p.Gly768fs; shifts the reading frame from glycine 768.
Molecular consequence: frameshift variant.
Genome position (GRCh38, 1-based): chr11:6,529,075, A deleted; the last of 4 consecutive A bases (chr11:6,529,072-6,529,075); deleting any one gives the same sequence. VCF-style (leftmost placement, unchanged base first): chr11-6529071-CA-C. GRCh37 (hg19) VCF-style: chr11-6550301-CA-C.
Other names: short protein forms G768fs.
Identifiers: ClinVar variation 2172656 (VCV002172656.1), dbSNP rs1424365656, ClinGen allele CA597438801.

ClinVar aggregate classification (germline): Pathogenic (1 of 4 stars; one submission).

Submission:

Labcorp Genetics (formerly Invitae), Labcorp
Classification: Pathogenic. Last evaluated: 2022-06-28. Review status: criteria provided, single submitter. Criteria: Invitae Variant Classification Sherloc (09022015). Collection method: clinical testing. Allele origin: germline.
Comment: This sequence change creates a premature translational stop signal (p.Gly768Alafs*19) in the DNHD1 gene. It is expected to result in an absent or disrupted protein product. Loss-of-function variants in DNHD1 are known to be pathogenic (PMID: 34932939). This variant is present in population databases (no rsID available, gnomAD 0.004%). This variant has not been reported in the literature in individuals affected with DNHD1-related conditions. For these reasons, this variant has been classified as Pathogenic.

Literature cited by the submitters: PubMed 34932939.